The following is an entry in ClinVar:

ClinVar aggregate classification (germline): Uncertain significance (1 of 4 stars; one submission).

Conditions:
GIPC3-related disorder. Also called: GIPC3-related condition.

gnomAD v4.1: 3 of 1,546,604 alleles (0.00019%); highest among the groups gnomAD compares: Non-Finnish European, 0.00026%; no homozygotes.

Submission:

PreventionGenetics, part of Exact Sciences
Classification: Uncertain significance for GIPC3-related condition. Last evaluated: 2026-06-10. Review status: criteria provided, single submitter. Criteria: ACMG Guidelines, 2015. Collection method: clinical testing. Allele origin: germline.
Comment: The GIPC3 c.163T>C variant is predicted to result in the amino acid substitution p.Phe55Leu. To our knowledge, this variant has not been reported in the literature or in a large population database (gnomAD), indicating this variant is rare. At this time, the clinical significance of this variant is uncertain due to the absence of conclusive functional and genetic evidence.

NM_133261.3(GIPC3):c.163T>C (p.Phe55Leu)

Gene: GIPC3 (GIPC PDZ domain containing family member 3; plus strand). Cytogenetic location: 19p13.3.
Variant type: single nucleotide variant.
Coding change: c.163T>C on transcript NM_133261.3 (MANE Select); coding-DNA position 163, T replaced by C.
Protein change: p.Phe55Leu; replaces phenylalanine 55 with leucine.
Molecular consequence: missense variant.
Genome position (GRCh38, 1-based): chr19:3,585,760, T>C. VCF-style: chr19-3585760-T-C. GRCh37 (hg19) VCF-style: chr19-3585758-T-C.
Other names: c.163T>C, p.Phe55Leu (NM_001411144.1); short protein forms F55L.
Identifiers: ClinVar variation 4991807 (VCV004991807.1).